The following is an entry in ClinVar:

ClinVar aggregate classification (germline): Benign/Likely benign. Review status: criteria provided, multiple submitters, no conflicts (2 of 4 stars). 4 submissions from 4 submitters: Benign (1); Likely benign (3). Last evaluated 2025-10-09.

Conditions:
Hereditary cancer-predisposing syndrome. Also called: Neoplastic Syndromes, Hereditary; Tumor predisposition; Hereditary Cancer Syndrome; Hereditary neoplastic syndrome. Identifiers: Orphanet 140162, MedGen C0027672, MeSH D009386, MONDO:0015356.
Retinoblastoma (RB1). Also called: RETINOBLASTOMA, SOMATIC. Identifiers: Orphanet 790, MedGen C0035335, MeSH D012175, MONDO:0008380, OMIM 180200, HP:0009919. Disease mechanism: loss of function. Inheritance: Both sporadic and heritable forms are tested..

Allele frequency attached by ClinVar (database versions not stated): gnomAD 0.00001; gnomAD exomes 0.00002; TOPMed 0.00002; ESP Exome Variant Server 0.00008.
gnomAD v4.1: 16 of 1,611,696 alleles (0.00099%); highest among the groups gnomAD compares: Middle Eastern, 0.017%; no homozygotes.

Submissions (4):

Labcorp Genetics (formerly Invitae), Labcorp
Classification: Benign for Retinoblastoma. Last evaluated: 2025-10-09. Review status: criteria provided, single submitter. Criteria: Invitae Variant Classification Sherloc (09022015). Collection method: clinical testing. Allele origin: germline.

All of Us Research Program, National Institutes of Health
Classification: Likely benign for Retinoblastoma. Last evaluated: 2024-07-10. Review status: criteria provided, single submitter. Criteria: ACMG Guidelines, 2015. Collection method: clinical testing. Allele origin: germline. Inheritance: Autosomal dominant inheritance. Observed: 3 variant alleles, 3 heterozygotes.
Comment: This study involves interpretation of variants in research participants for the purpose of population health screening. Participant phenotype was not available at the time of variant classification. Additional details can be found in publication PMID: 35346344, PMCID: PMC8962531

Ambry Genetics
Classification: Likely benign for Hereditary cancer-predisposing syndrome. Last evaluated: 2023-08-07. Review status: criteria provided, single submitter. Criteria: Ambry Variant Classification Scheme 2023. Collection method: clinical testing. Allele origin: germline.

Color Diagnostics, LLC DBA Color Health
Classification: Likely benign for Retinoblastoma. Last evaluated: 2022-04-25. Review status: criteria provided, single submitter. Criteria: ACMG Guidelines, 2015. Collection method: clinical testing. Allele origin: germline.

NM_000321.3(RB1):c.341C>T (p.Ser114Leu)

Gene: RB1 (RB transcriptional corepressor 1; plus strand). Cytogenetic location: 13q14.2.
Variant type: single nucleotide variant.
Coding change: c.341C>T on transcript NM_000321.3 (MANE Select); coding-DNA position 341, C replaced by T.
Protein change: p.Ser114Leu; replaces serine 114 with leucine.
Molecular consequence: missense variant.
Genome position (GRCh38, 1-based): chr13:48,342,675, C>T. VCF-style: chr13-48342675-C-T. GRCh37 (hg19) VCF-style: chr13-48916811-C-T.
Other names: short protein forms S114L.
Identifiers: ClinVar variation 527907 (VCV000527907.18), dbSNP rs139673557, ClinGen allele CA249846142.